The following is an entry in ClinVar:

NC_000005.10:g.112849374A>T

Variant type: single nucleotide variant.
Genome position: GRCh38 VCF-style: chr5-112849374-A-T. GRCh37 (hg19) VCF-style: chr5-112185071-A-T.
Identifiers: ClinVar variation 83286 (VCV000083286.3), dbSNP rs80318527, ClinGen allele CA250978.

ClinVar aggregate classification (germline): other (0 of 4 stars; one submission).

Conditions:
Familial colorectal cancer. Identifiers: MedGen CN280943, MONDO:0023113. Disease mechanism: loss of function.

Submission:

Systems Biology Platform Zhejiang California International NanoSystems Institute
Classification: other for Familial colorectal cancer. Review status: no assertion criteria provided. Collection method: not provided. Allele origin: unknown.
ClinVar note: Converted during submission from cancer to other.